The following is an entry in ClinVar:

NM_006019.4(TCIRG1):c.1227C>T (p.His409=)

Gene: TCIRG1 (T cell immune regulator 1, ATPase H+ transporting V0 subunit a3; plus strand). Cytogenetic location: 11q13.2.
Variant type: single nucleotide variant.
Coding change: c.1227C>T on transcript NM_006019.4 (MANE Select); coding-DNA position 1227, C replaced by T.
Protein change: p.His409=; no amino-acid change (histidine 409 retained).
Molecular consequence: synonymous variant.
Genome position (GRCh38, 1-based): chr11:68,047,494, C>T. VCF-style: chr11-68047494-C-T. GRCh37 (hg19) VCF-style: chr11-67814961-C-T.
Other names: c.333C>T, p.His111= (NM_001351059.2); c.579C>T, p.His193= (NM_006053.4).
Identifiers: ClinVar variation 305801 (VCV000305801.24), dbSNP rs145080707, ClinGen allele CA6147025.
Genomic context (GRCh38, chr11:68,047,494, plus strand): 5'-TCCCTACACCATCATCACCTTCCCCTTCCTGTTTGCTGTGATGTTCGGGGATGTGGGCCA[C>T]GGGCTGCTCATGTTCCTGTTCGCCCTGGCCATGGTCCTTGCGGAGAACCGACCGGCTGTG-3'
Protein context (NP_006010.2, residues 399-419): LFAVMFGDVG[His409=]GLLMFLFALA

ClinVar aggregate classification (germline): Conflicting classifications of pathogenicity. Review status: criteria provided, conflicting classifications (1 of 4 stars). 6 submissions from 6 submitters: Uncertain significance (2); Likely benign (2). 2 of the submissions do not count toward it. Last evaluated 2026-01-21.

Conditions:
TCIRG1-related disorder. Also called: TCIRG1-related condition.
Autosomal recessive osteopetrosis 1. Also called: TCIRG1-Related Osteopetrosis; TCIRG1-Related Autosomal Recessive Osteopetrosis; ALBERS-SCHONBERG DISEASE, AUTOSOMAL RECESSIVE. Identifiers: Orphanet 667, MedGen C1850127, MONDO:0009815, OMIM 259700.

Allele frequency attached by ClinVar (database versions not stated): gnomAD 0.00017; TOPMed 0.00017; gnomAD exomes 0.00021 and 0.00031; ExAC 0.00030; ESP Exome Variant Server 0.00046.

Submissions (6):

Labcorp Genetics (formerly Invitae), Labcorp
Classification: Likely benign. Last evaluated: 2026-01-21. Review status: criteria provided, single submitter. Criteria: Invitae Variant Classification Sherloc (09022015). Collection method: clinical testing. Allele origin: germline.

Blueprint Genetics
Classification: Likely benign. Last evaluated: 2024-11-07. Review status: criteria provided, single submitter. Criteria: ACMG Guidelines, 2015. Collection method: clinical testing. Allele origin: germline.

Illumina Laboratory Services, Illumina
Classification: Uncertain significance for Autosomal recessive osteopetrosis 1. Last evaluated: 2018-01-13. Review status: criteria provided, single submitter. Criteria: ICSL Variant Classification Criteria 13 December 2019. Collection method: clinical testing. Allele origin: germline.

Eurofins Ntd Llc (ga)
Classification: Uncertain significance. Last evaluated: 2017-01-24. Review status: criteria provided, single submitter. Criteria: EGL Classification Definitions 2015. Collection method: clinical testing. Allele origin: germline. Observed: 2 variant alleles, 2 heterozygotes.

PreventionGenetics, part of Exact Sciences
Classification: Likely benign for TCIRG1-related condition. Last evaluated: 2021-03-25. Review status: no assertion criteria provided. Collection method: clinical testing. Allele origin: germline. Not counted in ClinVar's aggregate classification.
Comment: This variant is classified as likely benign based on ACMG/AMP sequence variant interpretation guidelines (Richards et al. 2015 PMID: 25741868, with internal and published modifications).

Natera, Inc.
Classification: Uncertain significance for Infantile malignant osteopetrosis. Last evaluated: 2020-04-15. Review status: no assertion criteria provided. Collection method: clinical testing. Allele origin: germline. Not counted in ClinVar's aggregate classification.